The following is an entry in ClinVar:

NM_016216.4(DBR1):c.1481G>C (p.Gly494Ala)

Gene: DBR1 (debranching RNA lariats 1; minus strand). Cytogenetic location: 3q22.3.
Variant type: single nucleotide variant.
Coding change: c.1481G>C on transcript NM_016216.4 (MANE Select); coding-DNA position 1481, G replaced by C.
Protein change: p.Gly494Ala; replaces glycine 494 with alanine.
Molecular consequence: missense variant.
Genome position (GRCh38, 1-based): chr3:138,162,043, C>G on the plus strand (G>C on the coding strand, the complement: DBR1 is on the minus strand). VCF-style: chr3-138162043-C-G. GRCh37 (hg19) VCF-style: chr3-137880885-C-G.
Other names: c.1481G>C (NM_016216.3); short protein forms G494A.
Identifiers: ClinVar variation 2196561 (VCV002196561.3), dbSNP rs200792764, ClinGen allele CA2635654.

ClinVar aggregate classification (germline): Uncertain significance. Review status: criteria provided, multiple submitters, no conflicts (2 of 4 stars). 2 submissions from 2 submitters: Uncertain significance (2). Last evaluated 2025-05-17.

Conditions:
Inborn genetic diseases. Identifiers: MedGen C0950123, MeSH D030342.

Allele frequency attached by ClinVar (database versions not stated): TOPMed 0.00005; gnomAD exomes 0.00007; gnomAD 0.00005; ESP Exome Variant Server 0.00015; ExAC 0.00007.

Submissions (2):

Ambry Genetics
Classification: Uncertain significance for Inborn genetic diseases. Last evaluated: 2025-05-17. Review status: criteria provided, single submitter. Criteria: Ambry Variant Classification Scheme 2023. Collection method: clinical testing. Allele origin: germline.

Labcorp Genetics (formerly Invitae), Labcorp
Classification: Uncertain significance. Last evaluated: 2022-02-12. Review status: criteria provided, single submitter. Criteria: Invitae Variant Classification Sherloc (09022015). Collection method: clinical testing. Allele origin: germline.
Comment: This sequence change replaces glycine, which is neutral and non-polar, with alanine, which is neutral and non-polar, at codon 494 of the DBR1 protein (p.Gly494Ala). This variant is present in population databases (rs200792764, gnomAD 0.01%). This variant has not been reported in the literature in individuals affected with DBR1-related conditions. Algorithms developed to predict the effect of missense changes on protein structure and function (SIFT, PolyPhen-2, Align-GVGD) all suggest that this variant is likely to be tolerated. In summary, the available evidence is currently insufficient to determine the role of this variant in disease. Therefore, it has been classified as a Variant of Uncertain Significance.